The following is an entry in ClinVar:

NM_001458.5(FLNC):c.4465G>A (p.Glu1489Lys)

Gene: FLNC (filamin C; plus strand). Cytogenetic location: 7q32.1.
Variant type: single nucleotide variant.
Coding change: c.4465G>A on transcript NM_001458.5 (MANE Select); coding-DNA position 4465, G replaced by A.
Protein change: p.Glu1489Lys; replaces glutamic acid 1489 with lysine.
Molecular consequence: missense variant.
Genome position (GRCh38, 1-based): chr7:128,847,953, G>A. VCF-style: chr7-128847953-G-A. GRCh37 (hg19) VCF-style: chr7-128488007-G-A.
Other names: c.4465G>A, p.Glu1489Lys (NM_001127487.2); c.4465G>A (NM_001458.4); short protein forms E1489K.
Identifiers: ClinVar variation 1418474 (VCV001418474.7), dbSNP rs766612482, ClinGen allele CA4475352.

ClinVar aggregate classification (germline): Conflicting classifications of pathogenicity. Review status: criteria provided, conflicting classifications (1 of 4 stars). 2 submissions from 2 submitters: Uncertain significance (1); Likely benign (1). Last evaluated 2024-10-29.

Conditions:
Cardiovascular phenotype. Identifiers: MedGen CN230736.
Hypertrophic cardiomyopathy 26. Also called: Cardiomyopathy, familial hypertrophic, 26. Identifiers: Orphanet 75249, MedGen C4310749, MONDO:0014883, OMIM 617047.
Myofibrillar myopathy 5. Also called: Filaminopathy (type); FILAMINOPATHY, AUTOSOMAL DOMINANT. Identifiers: Orphanet 171445, MedGen C1836050, MONDO:0012289, OMIM 609524.
Distal myopathy with posterior leg and anterior hand involvement. Also called: WILLIAMS DISTAL MYOPATHY. Identifiers: Orphanet 63273, MedGen C3279722, MONDO:0013550, OMIM 614065.

Allele frequency attached by ClinVar (database versions not stated): TOPMed below 0.00001; ExAC 0.00001; gnomAD 0.00001; gnomAD exomes 0.00001 and 0.00002.
gnomAD v4.1: 8 of 1,613,444 alleles (0.0005%); highest among the groups gnomAD compares: South Asian, 0.0033%; no homozygotes.

Submissions (2):

Labcorp Genetics (formerly Invitae), Labcorp
Classification: Likely benign for Distal myopathy with posterior leg and anterior hand involvement; Myofibrillar myopathy 5; Hypertrophic cardiomyopathy 26. Last evaluated: 2024-10-29. Review status: criteria provided, single submitter. Criteria: Invitae Variant Classification Sherloc (09022015). Collection method: clinical testing. Allele origin: germline.

Ambry Genetics
Classification: Uncertain significance for Cardiovascular phenotype. Last evaluated: 2024-06-22. Review status: criteria provided, single submitter. Criteria: Ambry Variant Classification Scheme 2023. Collection method: clinical testing. Allele origin: germline.
Comment: The p.E1489K variant (also known as c.4465G>A), located in coding exon 26 of the FLNC gene, results from a G to A substitution at nucleotide position 4465. The glutamic acid at codon 1489 is replaced by lysine, an amino acid with similar properties. This amino acid position is conserved. In addition, the in silico prediction for this alteration is inconclusive. Based on the available evidence, the clinical significance of this variant remains unclear.